The following is an entry in ClinVar:

ClinVar aggregate classification (germline): Uncertain significance (1 of 4 stars; one submission).

Conditions:
Cardiomyopathy (CMYO). Also called: Cardiomyopathies. Identifiers: Orphanet 167848, MedGen C0878544, MONDO:0004994, HP:0001638. Inheritance: Various modes of inheritance.

Submission:

Color Diagnostics, LLC DBA Color Health
Classification: Uncertain significance for Cardiomyopathy. Last evaluated: 2024-03-06. Review status: criteria provided, single submitter. Criteria: ACMG Guidelines, 2015. Collection method: clinical testing. Allele origin: germline.
Comment: This missense variant replaces alanine with threonine at codon 27 of the TPM1 protein. Computational prediction suggests that this variant may not impact protein structure and function (internally defined REVEL score threshold <= 0.5, PMID: 27666373). To our knowledge, functional studies have not been reported for this variant. This variant has not been reported in individuals affected with cardiovascular disorders in the literature. This variant has not been identified in the general population by the Genome Aggregation Database (gnomAD). The available evidence is insufficient to determine the role of this variant in disease conclusively. Therefore, this variant is classified as a Variant of Uncertain Significance.

NM_001018005.2(TPM1):c.79G>A (p.Ala27Thr)

Gene: TPM1 (tropomyosin 1; plus strand). Cytogenetic location: 15q22.2.
Variant type: single nucleotide variant.
Coding change: c.79G>A on transcript NM_001018005.2 (MANE Select); coding-DNA position 79, G replaced by A.
Protein change: p.Ala27Thr; replaces alanine 27 with threonine.
Molecular consequence: missense variant. On other transcripts: non-coding transcript variant (11).
Genome position (GRCh38, 1-based): chr15:63,042,908, G>A. VCF-style: chr15-63042908-G-A. GRCh37 (hg19) VCF-style: chr15-63335107-G-A.
Other names: c.79G>A, p.Ala27Thr (NM_000366.6, NM_001018004.2, NM_001018006.2 and 24 more transcripts); short protein forms A27T.
Identifiers: ClinVar variation 2774660 (VCV002774660.2), dbSNP rs2542412676, ClinGen allele CA392718083.
Genomic context (GRCh38, chr15:63,042,908, plus strand): 5'-AAGATGCAGATGCTGAAGCTCGACAAGGAGAACGCCTTGGATCGAGCTGAGCAGGCGGAG[G>A]CCGACAAGAAGGCGGCGGAAGACAGGAGCAAGCAGGTCTGCGCCTCCCCGGCCCTGCGCC-3'
Protein context (NP_001018005.1, residues 17-37): NALDRAEQAE[Ala27Thr]DKKAAEDRSK